The following is an entry in ClinVar:

ClinVar aggregate classification (germline): Uncertain significance. Review status: criteria provided, multiple submitters, no conflicts (2 of 4 stars). 3 submissions from 3 submitters: Uncertain significance (3). Last evaluated 2025-04-13.

Conditions:
Familial cancer of breast. Also called: Hereditary breast cancer; hereditary breast carcinoma; BREAST CANCER, FAMILIAL. Identifiers: Orphanet 227535, MedGen C0346153, MONDO:0016419, OMIM 114480. Disease mechanism: loss of function.
Hereditary cancer-predisposing syndrome. Also called: Neoplastic Syndromes, Hereditary; Hereditary Cancer Syndrome; Hereditary neoplastic syndrome; Tumor predisposition. Identifiers: Orphanet 140162, MedGen C0027672, MeSH D009386, MONDO:0015356.

Allele frequency attached by ClinVar (database versions not stated): gnomAD exomes below 0.00001; TOPMed below 0.00001; gnomAD 0.00001.

Submissions (3):

Labcorp Genetics (formerly Invitae), Labcorp
Classification: Uncertain significance for Familial cancer of breast. Last evaluated: 2025-04-13. Review status: criteria provided, single submitter. Criteria: Invitae Variant Classification Sherloc (09022015). Collection method: clinical testing. Allele origin: germline.
Comment: This sequence change replaces glutamic acid, which is acidic and polar, with glycine, which is neutral and non-polar, at codon 454 of the CHEK2 protein (p.Glu454Gly). This variant is not present in population databases (gnomAD no frequency). This variant has not been reported in the literature in individuals affected with CHEK2-related conditions. ClinVar contains an entry for this variant (Variation ID: 933408). An algorithm developed to predict the effect of missense changes on protein structure and function (PolyPhen-2) suggests that this variant is likely to be tolerated. In summary, the available evidence is currently insufficient to determine the role of this variant in disease. Therefore, it has been classified as a Variant of Uncertain Significance.

Baylor Genetics
Classification: Uncertain significance for Familial cancer of breast. Last evaluated: 2023-10-31. Review status: criteria provided, single submitter. Criteria: ACMG Guidelines, 2015. Collection method: clinical testing. Allele origin: unknown.

Ambry Genetics
Classification: Uncertain significance for Hereditary cancer-predisposing syndrome. Last evaluated: 2023-08-30. Review status: criteria provided, single submitter. Criteria: Ambry Variant Classification Scheme 2023. Collection method: clinical testing. Allele origin: germline.
Comment: The p.E454G variant (also known as c.1361A>G), located in coding exon 11 of the CHEK2 gene, results from an A to G substitution at nucleotide position 1361. The glutamic acid at codon 454 is replaced by glycine, an amino acid with similar properties. This amino acid position is conserved. In addition, this alteration is predicted to be tolerated by in silico analysis. Since supporting evidence is limited at this time, the clinical significance of this alteration remains unclear.

NM_007194.4(CHEK2):c.1361A>G (p.Glu454Gly)

Gene: CHEK2 (checkpoint kinase 2; minus strand). Cytogenetic location: 22q12.1.
Variant type: single nucleotide variant.
Coding change: c.1361A>G on transcript NM_007194.4 (MANE Select); coding-DNA position 1361, A replaced by G.
Protein change: p.Glu454Gly; replaces glutamic acid 454 with glycine.
Molecular consequence: missense variant.
Genome position (GRCh38, 1-based): chr22:28,695,141, T>C on the plus strand (A>G on the coding strand, the complement: CHEK2 is on the minus strand). VCF-style: chr22-28695141-T-C. GRCh37 (hg19) VCF-style: chr22-29091129-T-C.
Other names: c.1490A>G, p.Glu497Gly (NM_001005735.3); c.698A>G, p.Glu233Gly (NM_001257387.3); c.1160A>G, p.Glu387Gly (NM_001349956.3); c.1274A>G, p.Glu425Gly (NM_145862.3); short protein forms E233G, E497G, E387G, E425G, E454G.
Identifiers: ClinVar variation 933408 (VCV000933408.13), dbSNP rs1233346197, ClinGen allele CA411095457.